The following is an entry in ClinVar:

ClinVar aggregate classification (germline): Uncertain significance. Review status: criteria provided, multiple submitters, no conflicts (2 of 4 stars). 3 submissions from 3 submitters: Uncertain significance (3). Last evaluated 2024-04-08.

Conditions:
Episodic ataxia type 2 (EA2). Also called: ATAXIA, EPISODIC, WITH NYSTAGMUS; ATAXIA, FAMILIAL PAROXYSMAL; CEREBELLAR ATAXIA, PAROXYSMAL, ACETAZOLAMIDE-RESPONSIVE; CEREBELLOPATHY, HEREDITARY PAROXYSMAL; EPISODIC ATAXIA, NYSTAGMUS-ASSOCIATED; ACETAZOLAMIDE-RESPONSIVE HEREDITARY PAROXYSMAL CEREBELLAR ATAXIA. Identifiers: Orphanet 97, MedGen C1720416, MONDO:0007163, OMIM 108500.
Developmental and epileptic encephalopathy, 42 (DEE42A). Also called: Epileptic encephalopathy, early infantile, 42; DEVELOPMENTAL AND EPILEPTIC ENCEPHALOPATHY 42A; EPILEPTIC ENCEPHALOPATHY, EARLY INFANTILE, 42A. Identifiers: MedGen C4310716, MONDO:0014917, OMIM 617106.

Submissions (3):

Women's Health and Genetics/Laboratory Corporation of America, LabCorp
Classification: Uncertain significance. Last evaluated: 2024-04-08. Review status: criteria provided, single submitter. Criteria: LabCorp Variant Classification Summary - May 2015. Collection method: clinical testing. Allele origin: germline.
Comment: Variant summary: CACNA1A c.6545T>C (p.Leu2182Pro) results in a non-conservative amino acid change in the encoded protein sequence. Three of five in-silico tools predict a damaging effect of the variant on protein function. The variant was absent in 141030 control chromosomes. The available data on variant occurrences in the general population are insufficient to allow any conclusion about variant significance. To our knowledge, no occurrence of c.6545T>C in individuals affected with Epileptic Encephalopathy, Early Infantile, 42 and no experimental evidence demonstrating its impact on protein function have been reported. ClinVar contains an entry for this variant (Variation ID: 1311050). Based on the evidence outlined above, the variant was classified as uncertain significance.

Labcorp Genetics (formerly Invitae), Labcorp
Classification: Uncertain significance for Developmental and epileptic encephalopathy, 42; Episodic ataxia type 2. Last evaluated: 2023-03-16. Review status: criteria provided, single submitter. Criteria: Invitae Variant Classification Sherloc (09022015). Collection method: clinical testing. Allele origin: germline.
Comment: In summary, the available evidence is currently insufficient to determine the role of this variant in disease. Therefore, it has been classified as a Variant of Uncertain Significance. Advanced modeling of protein sequence and biophysical properties (such as structural, functional, and spatial information, amino acid conservation, physicochemical variation, residue mobility, and thermodynamic stability) performed at Invitae indicates that this missense variant is not expected to disrupt CACNA1A protein function. ClinVar contains an entry for this variant (Variation ID: 1311050). This variant has not been reported in the literature in individuals affected with CACNA1A-related conditions. This variant is not present in population databases (gnomAD no frequency). This sequence change replaces leucine, which is neutral and non-polar, with proline, which is neutral and non-polar, at codon 2182 of the CACNA1A protein (p.Leu2182Pro).

GeneDx
Classification: Uncertain significance. Last evaluated: 2019-12-16. Review status: criteria provided, single submitter. Criteria: GeneDx Variant Classification Process June 2021. Collection method: clinical testing. Allele origin: germline. Affected: yes.
Comment: Not observed in large population cohorts (Lek et al., 2016); In silico analysis, which includes protein predictors and evolutionary conservation, supports that this variant does not alter protein structure/function; Has not been previously published as pathogenic or benign to our knowledge

NM_001127222.2(CACNA1A):c.6542T>C (p.Leu2181Pro)

Gene: CACNA1A (calcium voltage-gated channel subunit alpha1 A; minus strand). Cytogenetic location: 19p13.13.
Variant type: single nucleotide variant.
Coding change: c.6542T>C on transcript NM_001127222.2 (MANE Select); coding-DNA position 6542, T replaced by C.
Protein change: p.Leu2181Pro; replaces leucine 2181 with proline.
Molecular consequence: missense variant.
Genome position (GRCh38, 1-based): chr19:13,208,994, A>G on the plus strand (T>C on the coding strand, the complement: CACNA1A is on the minus strand). VCF-style: chr19-13208994-A-G. GRCh37 (hg19) VCF-style: chr19-13319808-A-G.
Other names: c.6560T>C, p.Leu2187Pro (NM_000068.4, NM_023035.3); c.6545T>C, p.Leu2182Pro (NM_001127221.2); c.6551T>C, p.Leu2184Pro (NM_001174080.2); short protein forms L2181P, L2182P, L2184P, L2187P.
Identifiers: ClinVar variation 1311050 (VCV001311050.6), dbSNP rs2144502972, ClinGen allele CA404330668.
Genomic context (GRCh38, chr19:13,208,994, plus strand): 5'-CGGCCCCGCTCCTGGTCCCGCTCCTTCGACGGCAGGTCCCCGGATTGGGTGGTCATGCTC[A>G]GGTCTGTCCCCAAGCCTGGGCCGGGTGAGGGTCAGACAGACACACAGGTGGTCGTGAGGG-3'
Protein context (NP_001120694.1, residues 2171-2191): TDVDTGLGTD[Leu2181Pro]SMTTQSGDLP